The following is an entry in ClinVar:

ClinVar aggregate classification (germline): Uncertain significance (1 of 4 stars; one submission).

Allele frequency attached by ClinVar (database versions not stated): gnomAD 0.00001; TOPMed 0.00001.
gnomAD v4.1: 2 of 1,613,482 alleles (0.00012%); highest among the groups gnomAD compares: African/African-American, 0.0027%; no homozygotes.

Submission:

Labcorp Genetics (formerly Invitae), Labcorp
Classification: Uncertain significance. Last evaluated: 2022-10-13. Review status: criteria provided, single submitter. Criteria: Invitae Variant Classification Sherloc (09022015). Collection method: clinical testing. Allele origin: germline.
Comment: This variant is present in population databases (no rsID available, gnomAD 0.01%). This sequence change replaces alanine, which is neutral and non-polar, with glutamic acid, which is acidic and polar, at codon 53 of the SLC45A2 protein (p.Ala53Glu). This variant has not been reported in the literature in individuals affected with SLC45A2-related conditions. In summary, the available evidence is currently insufficient to determine the role of this variant in disease. Therefore, it has been classified as a Variant of Uncertain Significance. Advanced modeling of protein sequence and biophysical properties (such as structural, functional, and spatial information, amino acid conservation, physicochemical variation, residue mobility, and thermodynamic stability) has been performed at Invitae for this missense variant, however the output from this modeling did not meet the statistical confidence thresholds required to predict the impact of this variant on SLC45A2 protein function. ClinVar contains an entry for this variant (Variation ID: 1499174).

NM_016180.5(SLC45A2):c.158C>A (p.Ala53Glu)

Gene: SLC45A2 (solute carrier family 45 member 2; minus strand). Cytogenetic location: 5p13.2.
Variant type: single nucleotide variant.
Coding change: c.158C>A on transcript NM_016180.5 (MANE Select); coding-DNA position 158, C replaced by A.
Protein change: p.Ala53Glu; replaces alanine 53 with glutamic acid.
Molecular consequence: missense variant.
Genome position (GRCh38, 1-based): chr5:33,984,426, G>T on the plus strand (C>A on the coding strand, the complement: SLC45A2 is on the minus strand). VCF-style: chr5-33984426-G-T. GRCh37 (hg19) VCF-style: chr5-33984531-G-T.
Other names: c.158C>A, p.Ala53Glu (NM_001012509.4, NM_001297417.4); short protein forms A53E.
Identifiers: ClinVar variation 1499174 (VCV001499174.4), dbSNP rs1314784958, ClinGen allele CA359397688.